The following is an entry in ClinVar:

NM_016203.4(PRKAG2):c.1703C>T (p.Thr568Met)

Gene: PRKAG2 (protein kinase AMP-activated non-catalytic subunit gamma 2; minus strand). Cytogenetic location: 7q36.1.
Variant type: single nucleotide variant.
Coding change: c.1703C>T on transcript NM_016203.4 (MANE Select); coding-DNA position 1703, C replaced by T.
Protein change: p.Thr568Met; replaces threonine 568 with methionine.
Molecular consequence: missense variant.
Genome position (GRCh38, 1-based): chr7:151,557,208, G>A on the plus strand (C>T on the coding strand, the complement: PRKAG2 is on the minus strand). VCF-style: chr7-151557208-G-A. GRCh37 (hg19) VCF-style: chr7-151254294-G-A.
Other names: p.T568M:ACG>ATG; c.1571C>T, p.Thr524Met (NM_001040633.2); c.1328C>T, p.Thr443Met (NM_001304527.2); c.980C>T, p.Thr327Met (NM_001304531.2, NM_024429.2); c.1331C>T, p.Thr444Met (NM_001363698.2); short protein forms T568M, T327M, T443M, T444M, T524M.
Identifiers: ClinVar variation 181464 (VCV000181464.20), dbSNP rs540525001, ClinGen allele CA013983.
Genomic context (GRCh38, chr7:151,557,208, plus strand): 5'-GACCCAGAGACTTTGTTCAAGTTCTCCTCCTAGGGCGTCTACATTCACGGCGGTCACTCC[G>A]TTTCTGTCTCCTTTTGTTTGGCACCTGTCAGTGGATGGAAGATGAAAGTTTCAAAGCTCA-3'
Protein context (NP_057287.2, residues 558-569): PAGAKQKETE[Thr568Met]E

ClinVar aggregate classification (germline): Conflicting classifications of pathogenicity. Review status: criteria provided, conflicting classifications (1 of 4 stars). 6 submissions from 6 submitters: Uncertain significance (3); Likely benign (3). Last evaluated 2026-01-14.

Conditions:
Cardiovascular phenotype. Identifiers: MedGen CN230736.
Cardiomyopathy (CMYO). Also called: Cardiomyopathies. Identifiers: Orphanet 167848, MedGen C0878544, MONDO:0004994, HP:0001638. Inheritance: Various modes of inheritance.
Lethal congenital glycogen storage disease of heart. Also called: GLYCOGEN STORAGE DISEASE OF HEART; PHOSPHORYLASE KINASE DEFICIENCY OF HEART. Identifiers: Orphanet 439854, MedGen C1849813, MONDO:0009867, OMIM 261740.

Allele frequency attached by ClinVar (database versions not stated): 1000 Genomes Project 0.00020; TOPMed 0.00003; gnomAD 0.00004 and 0.00006; gnomAD exomes 0.00007 and 0.00004; ExAC 0.00010; 1000 Genomes Project 30x 0.00031.
gnomAD v4.1: 72 of 1,614,114 alleles (0.0045%); highest among the groups gnomAD compares: South Asian, 0.035%; 1 homozygote.

Submissions (6):

Labcorp Genetics (formerly Invitae), Labcorp
Classification: Likely benign for Lethal congenital glycogen storage disease of heart. Last evaluated: 2026-01-14. Review status: criteria provided, single submitter. Criteria: Invitae Variant Classification Sherloc (09022015). Collection method: clinical testing. Allele origin: germline.

Ambry Genetics
Classification: Uncertain significance for Cardiovascular phenotype. Last evaluated: 2025-04-30. Review status: criteria provided, single submitter. Criteria: Ambry Variant Classification Scheme 2023. Collection method: clinical testing. Allele origin: germline.
Comment: The p.T568M variant (also known as c.1703C>T), located in coding exon 16 of the PRKAG2 gene, results from a C to T substitution at nucleotide position 1703. The threonine at codon 568 is replaced by methionine, an amino acid with similar properties. This variant has been detected in an individual with hypertrophic cardiomyopathy (HCM) and in an individual from a cohort undergoing genetic testing for HCM (Walsh R et al. Genet. Med., 2017 02;19:192-203; Manhas A et al. Stem Cell Res. 2022 May;61:102774). This amino acid position is poorly conserved in available vertebrate species. In addition, this alteration is predicted to be tolerated by in silico analysis. Since supporting evidence is limited at this time, the clinical significance of this alteration remains unclear.

Laboratory of Genetics, Children's Clinical University Hospital Latvia
Classification: Likely benign. Last evaluated: 2025-02-16. Review status: criteria provided, single submitter. Criteria: ACMG Guidelines, 2015. Collection method: clinical testing. Allele origin: germline. Affected: yes.

Color Diagnostics, LLC DBA Color Health
Classification: Likely benign for Cardiomyopathy. Last evaluated: 2019-11-05. Review status: criteria provided, single submitter. Criteria: ACMG Guidelines, 2015. Collection method: clinical testing. Allele origin: germline.

GeneDx
Classification: Uncertain significance. Last evaluated: 2016-12-12. Review status: criteria provided, single submitter. Criteria: GeneDx Variant Classification (06012015). Collection method: clinical testing. Allele origin: germline. Affected: yes.
Comment: The T568M variant of uncertain significance in the PRKAG2 gene has not been published as pathogenic or been reported as benign to our knowledge. The T568M variant is a non-conservative amino acid substitution, which is likely to impact secondary protein structure as these residues differ in polarity, charge, size and/or other properties. However, the T568M variant affects the second to last residue of the protein at a position that is not conserved across species, and 2/3 in silico algorithms predict this variant likely does not alter the protein structure/function. Furthermore, the Exome Aggregation Consortium (ExAC) reports T568M was observed in 8/16,512 alleles from individuals of South Asian background and 4/66,740 alleles from individuals of European (Non-Finnish) background.

Stanford Center for Inherited Cardiovascular Disease, Stanford University
Classification: Uncertain significance. Last evaluated: 2013-12-30. Review status: criteria provided, single submitter. Criteria: ACMG Guidelines, 2015. Collection method: provider interpretation. Allele origin: germline.

Literature cited by the submitters: PubMed 27532257 (cited by Ambry Genetics); PubMed 35413566 (cited by Ambry Genetics).